The following is an entry in ClinVar:

NM_001042492.3(NF1):c.4433T>A (p.Phe1478Tyr)

Gene: NF1 (neurofibromin 1; plus strand). Cytogenetic location: 17q11.2.
Variant type: single nucleotide variant.
Coding change: c.4433T>A on transcript NM_001042492.3 (MANE Select); coding-DNA position 4433, T replaced by A.
Protein change: p.Phe1478Tyr; replaces phenylalanine 1478 with tyrosine.
Molecular consequence: missense variant.
Genome position (GRCh38, 1-based): chr17:31,260,371, T>A. VCF-style: chr17-31260371-T-A. GRCh37 (hg19) VCF-style: chr17-29587389-T-A.
Other names: c.4370T>A, p.Phe1457Tyr (NM_000267.4); short protein forms F1457Y, F1478Y.
Identifiers: ClinVar variation 1994252 (VCV001994252.4), dbSNP rs1597746900, ClinGen allele CA398999131.

ClinVar aggregate classification (germline): Uncertain significance (1 of 4 stars; one submission).

Conditions:
Neurofibromatosis, type 1 (NF1). Also called: VON RECKLINGHAUSEN DISEASE; Peripheral type neurofibromatosis; Neurofibromatosis, type I; NEUROFIBROMATOSIS, TYPE I, SOMATIC. Identifiers: Orphanet 636, MedGen C0027831, MONDO:0018975, OMIM 162200. Disease mechanism: loss of function.

Submission:

Labcorp Genetics (formerly Invitae), Labcorp
Classification: Uncertain significance for Neurofibromatosis, type 1. Last evaluated: 2022-05-14. Review status: criteria provided, single submitter. Criteria: Invitae Variant Classification Sherloc (09022015). Collection method: clinical testing. Allele origin: germline.
Comment: In summary, the available evidence is currently insufficient to determine the role of this variant in disease. Therefore, it has been classified as a Variant of Uncertain Significance. Algorithms developed to predict the effect of missense changes on protein structure and function are either unavailable or do not agree on the potential impact of this missense change (SIFT: "Tolerated"; PolyPhen-2: "Probably Damaging"; Align-GVGD: "Class C0"). This variant has not been reported in the literature in individuals affected with NF1-related conditions. This variant is not present in population databases (gnomAD no frequency). This sequence change replaces phenylalanine, which is neutral and non-polar, with tyrosine, which is neutral and polar, at codon 1457 of the NF1 protein (p.Phe1457Tyr).